The following is an entry in ClinVar:

ClinVar aggregate classification (germline): Uncertain significance (1 of 4 stars; one submission).

Allele frequency attached by ClinVar (database versions not stated): gnomAD 0.00001.
gnomAD v4.1: 1 of 1,613,846 alleles (0.000062%); highest among the groups gnomAD compares: African/African-American, 0.0013%; no homozygotes.

Submission:

Labcorp Genetics (formerly Invitae), Labcorp
Classification: Uncertain significance. Last evaluated: 2022-10-21. Review status: criteria provided, single submitter. Criteria: Invitae Variant Classification Sherloc (09022015). Collection method: clinical testing. Allele origin: germline.
Comment: In summary, the available evidence is currently insufficient to determine the role of this variant in disease. Therefore, it has been classified as a Variant of Uncertain Significance. Algorithms developed to predict the effect of sequence changes on RNA splicing suggest that this variant may disrupt the consensus splice site. This variant has not been reported in the literature in individuals affected with FAT2-related conditions. This variant is present in population databases (no rsID available, gnomAD 0.01%). This sequence change affects codon 3959 of the FAT2 mRNA. It is a 'silent' change, meaning that it does not change the encoded amino acid sequence of the FAT2 protein.

NM_001447.3(FAT2):c.11877T>C (p.Gly3959=)

Genes: FAT2 (FAT atypical cadherin 2; minus strand), SLC36A1 (solute carrier family 36 member 1; plus strand). Cytogenetic location: 5q33.1.
Variant type: single nucleotide variant.
Coding change: c.11877T>C on transcript NM_001447.3 (MANE Select); coding-DNA position 11877, T replaced by C.
Protein change: p.Gly3959=; no amino-acid change (glycine 3959 retained).
Molecular consequence: synonymous variant.
Genome position (GRCh38, 1-based): chr5:151,512,193, A>G on the plus strand (T>C on the coding strand, the complement: FAT2 is on the minus strand). VCF-style: chr5-151512193-A-G. GRCh37 (hg19) VCF-style: chr5-150891754-A-G.
Identifiers: ClinVar variation 2025577 (VCV002025577.4), dbSNP rs1189499081, ClinGen allele CA447414783.